The following is an entry in ClinVar:

NM_001369268.1(ACAN):c.5045del (p.Gly1682fs)

Gene: ACAN (aggrecan; plus strand). Cytogenetic location: 15q26.1.
Variant type: Deletion.
Coding change: c.5045del on transcript NM_001369268.1 (MANE Select); coding-DNA position 5045, one base deleted (G; older notation c.5045delG).
Protein change: p.Gly1682fs; shifts the reading frame from glycine 1682.
Molecular consequence: frameshift variant.
Genome position (GRCh38, 1-based): chr15:88,857,630, G deleted; the last of 4 consecutive G bases (chr15:88,857,627-88,857,630); deleting any one gives the same sequence. VCF-style (leftmost placement, unchanged base first): chr15-88857626-AG-A. GRCh37 (hg19) VCF-style: chr15-89400857-AG-A.
Other names: c.5045del, p.Gly1682fs (NM_001135.4, NM_001411096.1, NM_001411097.1 and 1 more transcripts); short protein forms G1682fs.
Identifiers: ClinVar variation 3903224 (VCV003903224.1).
Genomic context (GRCh38, chr15:88,857,626, plus strand): 5'-CTAGTGGATTCTACATTGGTGGAAGTGGTCACAGCCTCCACTGCAAGTGAACTGGAAGGG[AG>A]GGGAACCATTGGCATCAGTGGTGCAGGAGAAATATCTGGACTGCCCTCCAGTGAGCTGGA-3'

ClinVar aggregate classification (germline): Pathogenic (1 of 4 stars; one submission).

Submission:

GeneDx
Classification: Pathogenic. Last evaluated: 2024-12-14. Review status: criteria provided, single submitter. Criteria: GeneDx Variant Classification Process June 2021. Collection method: clinical testing. Allele origin: germline. Affected: yes.
Comment: Frameshift variant predicted to result in protein truncation or nonsense mediated decay in a gene for which loss of function is a known mechanism of disease; Not observed at significant frequency in large population cohorts (gnomAD); Has not been previously published as pathogenic or benign to our knowledge